The following is an entry in ClinVar:

ClinVar aggregate classification (germline): Uncertain significance. Review status: criteria provided, multiple submitters, no conflicts (2 of 4 stars). 2 submissions from 2 submitters: Uncertain significance (2). Last evaluated 2024-02-26.

Conditions:
Immunodeficiency 14 (IMD14A). Also called: ACTIVATED PI3K-DELTA SYNDROME 1; Activated PI3K Delta Syndrome Type 1 (APDS1); p110-DELTA-ACTIVATING MUTATION CAUSING SENESCENT T CELLS, LYMPHADENOPATHY, AND IMMUNODEFICIENCY; IMMUNODEFICIENCY 14A WITH LYMPHOPROLIFERATION, AUTOSOMAL DOMINANT. Identifiers: Orphanet 397596, Orphanet 693661, MedGen C5907821, MONDO:0014222, OMIM 615513.

Allele frequency attached by ClinVar (database versions not stated): gnomAD exomes below 0.00001 and 0.00001; gnomAD 0.00003; TOPMed 0.00003.
gnomAD v4.1: 9 of 1,612,928 alleles (0.00056%); highest among the groups gnomAD compares: Non-Finnish European, 0.00076%; no homozygotes.

Submissions (2):

Clinical Genomics Laboratory, Washington University in St. Louis
Classification: Uncertain significance for Immunodeficiency 14. Last evaluated: 2024-02-26. Review status: criteria provided, single submitter. Criteria: ACMG Guidelines, 2015. Collection method: clinical testing. Allele origin: germline.
Comment: A PIK3CD c.1607A>G (p.His536Arg) variant was identified at an allelic fraction of 47.5%, a frequency which may be consistent with germline origin. This variant, to our knowledge, has not been reported in the medical literature but has been reported in the ClinVar database as a variant of uncertain significance by a single submitter (ClinVar ID: 1441513). This variant is only observed on 9/1,612,928 alleles in the general population (gnomAD v.4.0.0), indicating it is not a common variant. Computational predictors suggest that the variant does not impact PIK3CD function. Due to limited information, and based on ACMG/AMP guidelines for variant interpretation (Richards S et al., PMID: 25741868), the clinical significance of this variant is uncertain at this time.

Labcorp Genetics (formerly Invitae), Labcorp
Classification: Uncertain significance for Activated PI3K-delta syndrome. Last evaluated: 2023-08-17. Review status: criteria provided, single submitter. Criteria: Invitae Variant Classification Sherloc (09022015). Collection method: clinical testing. Allele origin: germline.
Comment: In summary, the available evidence is currently insufficient to determine the role of this variant in disease. Therefore, it has been classified as a Variant of Uncertain Significance. Advanced modeling of protein sequence and biophysical properties (such as structural, functional, and spatial information, amino acid conservation, physicochemical variation, residue mobility, and thermodynamic stability) performed at Invitae indicates that this missense variant is not expected to disrupt PIK3CD protein function. ClinVar contains an entry for this variant (Variation ID: 1441513). This variant has not been reported in the literature in individuals affected with PIK3CD-related conditions. This variant is present in population databases (no rsID available, gnomAD 0.003%). This sequence change replaces histidine, which is basic and polar, with arginine, which is basic and polar, at codon 536 of the PIK3CD protein (p.His536Arg).

NM_005026.5(PIK3CD):c.1607A>G (p.His536Arg)

Gene: PIK3CD (phosphatidylinositol-4,5-bisphosphate 3-kinase catalytic subunit delta; plus strand). Cytogenetic location: 1p36.22.
Variant type: single nucleotide variant.
Coding change: c.1607A>G on transcript NM_005026.5 (MANE Select); coding-DNA position 1607, A replaced by G.
Protein change: p.His536Arg; replaces histidine 536 with arginine.
Molecular consequence: missense variant.
Genome position (GRCh38, 1-based): chr1:9,720,827, A>G. VCF-style: chr1-9720827-A-G. GRCh37 (hg19) VCF-style: chr1-9780885-A-G.
Other names: c.1604A>G, p.His535Arg (NM_001350234.2); c.1520A>G, p.His507Arg (NM_001350235.1); short protein forms H507R, H535R, H536R.
Identifiers: ClinVar variation 1441513 (VCV001441513.12), dbSNP rs1198694875, ClinGen allele CA338303886.